The following is an entry in ClinVar:

ClinVar aggregate classification (germline): Conflicting classifications of pathogenicity. Review status: criteria provided, conflicting classifications (1 of 4 stars). 3 submissions from 3 submitters: Uncertain significance (2); Likely benign (1). Last evaluated 2026-01-26.

Conditions:
Hereditary cancer-predisposing syndrome. Also called: Neoplastic Syndromes, Hereditary; Tumor predisposition; Hereditary neoplastic syndrome; Hereditary Cancer Syndrome. Identifiers: Orphanet 140162, MedGen C0027672, MeSH D009386, MONDO:0015356.

Submissions (3):

Women's Health and Genetics/Laboratory Corporation of America, LabCorp
Classification: Uncertain significance. Last evaluated: 2026-01-26. Review status: criteria provided, single submitter. Criteria: LabCorp Variant Classification Summary - May 2015. Collection method: clinical testing. Allele origin: germline.

University of Washington Department of Laboratory Medicine, University of Washington
Classification: Likely benign for Hereditary cancer-predisposing syndrome. Last evaluated: 2023-03-23. Review status: criteria provided, single submitter. Criteria: Dines et al. (Genet Med. 2020). Collection method: curation. Allele origin: germline.
Comment: Missense variant in a coldspot region where missense variants are very unlikely to be pathogenic (PMID:31911673).

BRCA2 exon 11 coldspot. Reclassification based on statistical prior probability.

Ambry Genetics
Classification: Uncertain significance for Hereditary cancer-predisposing syndrome. Last evaluated: 2019-08-30. Review status: criteria provided, single submitter. Criteria: Ambry Variant Classification Scheme 2023. Collection method: clinical testing. Allele origin: germline.
Comment: The p.I1846K variant (also known as c.5537T>A), located in coding exon 10 of the BRCA2 gene, results from a T to A substitution at nucleotide position 5537. The isoleucine at codon 1846 is replaced by lysine, an amino acid with dissimilar properties. This amino acid position is poorly conserved in available vertebrate species. In addition, the in silico prediction for this alteration is inconclusive. Since supporting evidence is limited at this time, the clinical significance of this alteration remains unclear.

NM_000059.4(BRCA2):c.5537T>A (p.Ile1846Lys)

Gene: BRCA2 (BRCA2 DNA repair associated; plus strand). Cytogenetic location: 13q13.1.
Variant type: single nucleotide variant.
Coding change: c.5537T>A on transcript NM_000059.4 (MANE Select); coding-DNA position 5537, T replaced by A.
Protein change: p.Ile1846Lys; replaces isoleucine 1846 with lysine.
Molecular consequence: missense variant.
Genome position (GRCh38, 1-based): chr13:32,339,892, T>A. VCF-style: chr13-32339892-T-A. GRCh37 (hg19) VCF-style: chr13-32914029-T-A.
Other names: short protein forms I1846K.
Identifiers: ClinVar variation 825812 (VCV000825812.7), dbSNP rs763330257, ClinGen allele CA387785929.
Genomic context (GRCh38, chr13:32,339,892, plus strand): 5'-CCATTAAATTGTCCATATCTAATAGTAATAATTTTGAGGTAGGGCCACCTGCATTTAGGA[T>A]AGCCAGTGGTAAAATCGTTTGTGTTTCACATGAAACAATTAAAAAAGTGAAAGACATATT-3'
Protein context (NP_000050.3, residues 1836-1856): NFEVGPPAFR[Ile1846Lys]ASGKIVCVSH